The following is an entry in ClinVar:

ClinVar aggregate classification (germline): Benign/Likely benign. Review status: criteria provided, multiple submitters, no conflicts (2 of 4 stars). 4 submissions from 4 submitters: Benign (1); Likely benign (2). 1 of the submissions does not count toward it. Last evaluated 2025-11-12.

Conditions:
Hereditary cancer-predisposing syndrome. Also called: Tumor predisposition; Hereditary Cancer Syndrome; Neoplastic Syndromes, Hereditary; Hereditary neoplastic syndrome. Identifiers: Orphanet 140162, MedGen C0027672, MeSH D009386, MONDO:0015356.
Gorlin syndrome. Also called: Basal cell nevus syndrome; Nevoid Basal Cell Carcinoma Syndrome. Identifiers: Orphanet 377, MedGen C0004779, MONDO:0007187.
PTCH1-related disorder. Also called: PTCH1-related disorders; PTCH1-related condition.

Allele frequency attached by ClinVar (database versions not stated): gnomAD exomes 0.00001 and 0.00006; ExAC 0.00009; TOPMed 0.00011; gnomAD 0.00015; 1000 Genomes Project 30x 0.00031; 1000 Genomes Project 0.00040.

Submissions (4):

Labcorp Genetics (formerly Invitae), Labcorp
Classification: Likely benign for Gorlin syndrome. Last evaluated: 2025-11-12. Review status: criteria provided, single submitter. Criteria: Invitae Variant Classification Sherloc (09022015). Collection method: clinical testing. Allele origin: germline.

Sema4
Classification: Benign for Hereditary cancer-predisposing syndrome. Last evaluated: 2021-09-07. Review status: criteria provided, single submitter. Criteria: Sema4 Curation Guidelines. Collection method: curation. Allele origin: germline.

Ambry Genetics
Classification: Likely benign for Hereditary cancer-predisposing syndrome. Last evaluated: 2018-03-09. Review status: criteria provided, single submitter. Criteria: Ambry Variant Classification Scheme 2023. Collection method: clinical testing. Allele origin: germline.

PreventionGenetics, part of Exact Sciences
Classification: Likely benign for PTCH1-related condition. Last evaluated: 2023-03-14. Review status: no assertion criteria provided. Collection method: clinical testing. Allele origin: germline. Not counted in ClinVar's aggregate classification.
Comment: This variant is classified as likely benign based on ACMG/AMP sequence variant interpretation guidelines (Richards et al. 2015 PMID: 25741868, with internal and published modifications).

NM_000264.5(PTCH1):c.346T>C (p.Leu116=)

Gene: PTCH1 (patched 1; minus strand). Cytogenetic location: 9q22.32.
Variant type: single nucleotide variant.
Coding change: c.346T>C on transcript NM_000264.5 (MANE Select); coding-DNA position 346, T replaced by C.
Protein change: p.Leu116=; no amino-acid change (leucine 116 retained).
Molecular consequence: synonymous variant. On other transcripts: 5 prime UTR variant (4), non-coding transcript variant (1).
Genome position (GRCh38, 1-based): chr9:95,506,455, A>G on the plus strand (T>C on the coding strand, the complement: PTCH1 is on the minus strand). VCF-style: chr9-95506455-A-G. GRCh37 (hg19) VCF-style: chr9-98268737-A-G.
Other names: c.148T>C, p.Leu50= (NM_001083602.3, NM_001354919.2); c.343T>C, p.Leu115= (NM_001083603.3); c.-108T>C (NM_001083604.3, NM_001083605.3, NM_001083606.3 and 1 more transcripts); c.346T>C, p.Leu116= (NM_001354918.2).
Identifiers: ClinVar variation 453853 (VCV000453853.19), dbSNP rs576398790, ClinGen allele CA5138981.